The following is an entry in ClinVar:

NM_170707.4(LMNA):c.1380+8C>T

Gene: LMNA (lamin A/C; plus strand). Cytogenetic location: 1q22.
Variant type: single nucleotide variant.
Coding change: c.1380+8C>T on transcript NM_170707.4 (MANE Select); 8 bases into the intron after coding-DNA position 1380, C replaced by T.
Molecular consequence: intron variant.
Genome position (GRCh38, 1-based): chr1:156,136,444, C>T. VCF-style: chr1-156136444-C-T. GRCh37 (hg19) VCF-style: chr1-156106235-C-T.
Other names: c.1380+8C>T (NM_170707.3, NM_001282625.2, NM_001282626.2 and 2 more transcripts); c.1044+8C>T (NM_001257374.3); c.1137+8C>T (NM_001282624.2).
Identifiers: ClinVar variation 1647992 (VCV001647992.9), dbSNP rs770058244, ClinGen allele CA050051.

ClinVar aggregate classification (germline): Likely benign. Review status: criteria provided, single submitter (1 of 4 stars). 2 submissions from 2 submitters: Likely benign (1). 1 of the submissions does not count toward it. Last evaluated 2025-10-03.

Conditions:
LMNA-related disorder. Also called: LMNA-related condition; LMNA-related disease; LMNA-related disorders. Identifiers: MedGen CN380145.
Charcot-Marie-Tooth disease type 2. Also called: Charcot-Marie-Tooth type 2. Identifiers: Orphanet 64746, MedGen C0270914, MONDO:0018993.

Allele frequency attached by ClinVar (database versions not stated): gnomAD exomes 0.00001; TOPMed below 0.00001; ExAC 0.00003.
gnomAD v4.1: 5 of 1,562,722 alleles (0.00032%); highest among the groups gnomAD compares: African/African-American, 0.0027%; no homozygotes.

Submissions (2):

Labcorp Genetics (formerly Invitae), Labcorp
Classification: Likely benign for Charcot-Marie-Tooth disease type 2. Last evaluated: 2025-10-03. Review status: criteria provided, single submitter. Criteria: Invitae Variant Classification Sherloc (09022015). Collection method: clinical testing. Allele origin: germline.

PreventionGenetics, part of Exact Sciences
Classification: Likely benign for LMNA-related condition. Last evaluated: 2021-05-07. Review status: no assertion criteria provided. Collection method: clinical testing. Allele origin: germline. Not counted in ClinVar's aggregate classification.
Comment: This variant is classified as likely benign based on ACMG/AMP sequence variant interpretation guidelines (Richards et al. 2015 PMID: 25741868, with internal and published modifications).